The following is an entry in ClinVar:

ClinVar aggregate classification (germline): Uncertain significance (1 of 4 stars; one submission).

Conditions:
Cardiovascular phenotype. Identifiers: MedGen CN230736.

Submission:

Ambry Genetics
Classification: Uncertain significance for Cardiovascular phenotype. Last evaluated: 2023-12-16. Review status: criteria provided, single submitter. Criteria: Ambry Variant Classification Scheme 2023. Collection method: clinical testing. Allele origin: germline.
Comment: The p.I2540M variant (also known as c.7620T>G), located in coding exon 31 of the AKAP9 gene, results from a T to G substitution at nucleotide position 7620. The isoleucine at codon 2540 is replaced by methionine, an amino acid with highly similar properties. This amino acid position is conserved. In addition, this alteration is predicted to be tolerated by in silico analysis. Since supporting evidence is limited at this time, the clinical significance of this alteration remains unclear.

NM_005751.5(AKAP9):c.7620T>G (p.Ile2540Met)

Gene: AKAP9 (A-kinase anchoring protein 9; plus strand). Cytogenetic location: 7q21.2.
Variant type: single nucleotide variant.
Coding change: c.7620T>G on transcript NM_005751.5 (MANE Select); coding-DNA position 7620, T replaced by G.
Protein change: p.Ile2540Met; replaces isoleucine 2540 with methionine.
Molecular consequence: missense variant.
Genome position (GRCh38, 1-based): chr7:92,079,753, T>G. VCF-style: chr7-92079753-T-G. GRCh37 (hg19) VCF-style: chr7-91709067-T-G.
Other names: c.2265T>G, p.Ile755Met (NM_001379277.1); c.7596T>G, p.Ile2532Met (NM_147185.3); short protein forms I2532M, I2540M, I755M.
Identifiers: ClinVar variation 3225093 (VCV003225093.1), dbSNP rs2535246532, ClinGen allele CA368136150.